The following is an entry in ClinVar:

NM_182919.4(TICAM1):c.1925dup (p.Pro643fs)

Gene: TICAM1 (TIR domain containing adaptor molecule 1; minus strand). Cytogenetic location: 19p13.3.
Variant type: Duplication.
Coding change: c.1925dup on transcript NM_182919.4 (MANE Select); coding-DNA position 1925, one base duplicated (C; older notation c.1925dupC).
Protein change: p.Pro643fs; shifts the reading frame from proline 643.
Molecular consequence: frameshift variant.
Genome position (GRCh38, 1-based): chr19:4,816,453, G duplicated on the plus strand (C on the coding strand, the reverse complement: TICAM1 is on the minus strand); the first of 7 consecutive G bases (chr19:4,816,453-4,816,459); duplicating any one gives the same sequence. VCF-style (leftmost placement, unchanged base first): chr19-4816452-T-TG. GRCh37 (hg19) VCF-style: chr19-4816464-T-TG.
Other names: short protein forms P643fs.
Identifiers: ClinVar variation 864017 (VCV000864017.5), dbSNP rs762126373, ClinGen allele CA9105034.

ClinVar aggregate classification (germline): Uncertain significance (1 of 4 stars; one submission).

Conditions:
Encephalopathy, acute, infection-induced (herpes-specific), susceptibility to, 6. Also called: Herpes simplex encephalitis, susceptibility to, 4. Identifiers: Orphanet 1930, MedGen C3553869, MONDO:0013921, OMIM 614850.

Submission:

Labcorp Genetics (formerly Invitae), Labcorp
Classification: Uncertain significance for Encephalopathy, acute, infection-induced (herpes-specific), susceptibility to, 6. Last evaluated: 2022-05-13. Review status: criteria provided, single submitter. Criteria: Invitae Variant Classification Sherloc (09022015). Collection method: clinical testing. Allele origin: germline.
Comment: This sequence change results in a frameshift in the TICAM1 gene (p.Pro643Thrfs*123). While this is not anticipated to result in nonsense mediated decay, it is expected to disrupt the last 70 amino acid(s) of the TICAM1 protein and extend the protein by 52 additional amino acid residues. The frequency data for this variant in the population databases is considered unreliable, as metrics indicate poor data quality at this position in the gnomAD database. This variant has not been reported in the literature in individuals affected with TICAM1-related conditions. ClinVar contains an entry for this variant (Variation ID: 864017). Experimental studies and prediction algorithms are not available or were not evaluated, and the functional significance of this variant is currently unknown. In summary, the available evidence is currently insufficient to determine the role of this variant in disease. Therefore, it has been classified as a Variant of Uncertain Significance.